The following is an entry in ClinVar:

NM_000143.4(FH):c.418del (p.Val140fs)

Gene: FH (fumarate hydratase; minus strand). Cytogenetic location: 1q43.
Variant type: Deletion.
Coding change: c.418del on transcript NM_000143.4 (MANE Select); coding-DNA position 418, one base deleted (G; older notation c.418delG).
Protein change: p.Val140fs; shifts the reading frame from valine 140.
Molecular consequence: frameshift variant.
Genome position (GRCh38, 1-based): chr1:241,512,104, C deleted on the plus strand (G on the coding strand, the reverse complement: FH is on the minus strand); the first of 2 consecutive C bases (chr1:241,512,104-241,512,105); deleting either gives the same sequence. VCF-style (leftmost placement, unchanged base first): chr1-241512103-AC-A. GRCh37 (hg19) VCF-style: chr1-241675403-AC-A.
Other names: c.418delG (NM_000143.3); short protein forms V140fs.
Identifiers: ClinVar variation 641584 (VCV000641584.8), dbSNP rs1573885519, ClinGen allele CA915942109.
Genomic context (GRCh38, chr1:241,512,103, plus strand): 5'-CTATTGCTAATGACTTCATTTACATTCATATTTGTCTGAGTTCCTGATCCAGTCTGCCAT[AC>A]CACGAGAGGAAAATGATCATTTAATTTACCTTCAGCTACCTGCAGAAAAAATGTTAAAAA-3'

ClinVar aggregate classification (germline): Pathogenic. Review status: criteria provided, multiple submitters, no conflicts (2 of 4 stars). 2 submissions from 2 submitters: Pathogenic (2). Last evaluated 2026-04-07.

Conditions:
Hereditary cancer-predisposing syndrome. Also called: Tumor predisposition; Hereditary Cancer Syndrome; Neoplastic Syndromes, Hereditary; Hereditary neoplastic syndrome. Identifiers: Orphanet 140162, MedGen C0027672, MeSH D009386, MONDO:0015356.

Submissions (2):

Ambry Genetics
Classification: Pathogenic for Hereditary cancer-predisposing syndrome. Last evaluated: 2026-04-07. Review status: criteria provided, single submitter. Criteria: Ambry Variant Classification Scheme 2023. Collection method: clinical testing. Allele origin: germline.
Comment: The c.418delG pathogenic mutation, located in coding exon 4 of the FH gene, results from a deletion of one nucleotide at nucleotide position 418, causing a translational frameshift with a predicted alternate stop codon (p.V140Yfs*12). This variant was reported in individual(s) with features consistent with FH-related tumor predisposition (Toro JR et al. Am J Hum Genet, 2003 Jul;73:95-106; Ambry internal data). This variant is considered to be rare based on population cohorts in the Genome Aggregation Database (gnomAD). This alteration is expected to result in loss of function by premature protein truncation or nonsense-mediated mRNA decay. As such, this alteration is interpreted as a disease-causing mutation.

Labcorp Genetics (formerly Invitae), Labcorp
Classification: Pathogenic. Last evaluated: 2025-11-13. Review status: criteria provided, single submitter. Criteria: Invitae Variant Classification Sherloc (09022015). Collection method: clinical testing. Allele origin: germline.
Comment: This sequence change creates a premature translational stop signal (p.Val140Tyrfs*12) in the FH gene. It is expected to result in an absent or disrupted protein product. Loss-of-function variants in FH are known to be pathogenic (PMID: 11865300, 21398687). This variant is not present in population databases (gnomAD no frequency). This premature translational stop signal has been observed in individual(s) with hereditary leiomyomatosis and renal cell cancer (PMID: 12772087). This variant is also known as c.Gdel@288 (p.97->STOP). ClinVar contains an entry for this variant (Variation ID: 641584). Algorithms developed to predict the effect of sequence changes on RNA splicing suggest that this variant may create or strengthen a splice site. For these reasons, this variant has been classified as Pathogenic.

Literature cited by the submitters: PubMed 12772087 (cited by Ambry Genetics and Labcorp Genetics (formerly Invitae), Labcorp); PubMed 11865300 (cited by Labcorp Genetics (formerly Invitae), Labcorp); PubMed 21398687 (cited by Labcorp Genetics (formerly Invitae), Labcorp).